The following is an entry in ClinVar:

NM_021098.3(CACNA1H):c.1119+6C>T

Gene: CACNA1H (calcium voltage-gated channel subunit alpha1 H; plus strand). Cytogenetic location: 16p13.3.
Variant type: single nucleotide variant.
Coding change: c.1119+6C>T on transcript NM_021098.3 (MANE Select); 6 bases into the intron after coding-DNA position 1119, C replaced by T.
Molecular consequence: intron variant.
Genome position (GRCh38, 1-based): chr16:1,200,577, C>T. VCF-style: chr16-1200577-C-T. GRCh37 (hg19) VCF-style: chr16-1250577-C-T.
Other names: c.1119+6C>T (NM_001005407.2).
Identifiers: ClinVar variation 648704 (VCV000648704.11), dbSNP rs372159580, ClinGen allele CA7799782.
Genomic context (GRCh38, chr16:1,200,577, plus strand): 5'-CAACGGTGCCATCAACTTCGACAACATCGGCTACGCCTGGATTGCCATCTTCCAGGTGGG[C>T]GGCAAGATGGTGGGACGGGGACCCTGGGGCACGGCAGGGGAGCGGGTGCAGGACTCGCCC-3'

ClinVar aggregate classification (germline): Conflicting classifications of pathogenicity. Review status: criteria provided, conflicting classifications (1 of 4 stars). 3 submissions from 3 submitters: Uncertain significance (2); Likely benign (1). Last evaluated 2025-03-17.

Conditions:
Hyperaldosteronism, familial, type IV (HALD4). Also called: FH IV; ALDOSTERONISM, PRIMARY, AND HYPERTENSION. Identifiers: Orphanet 642671, MedGen C4310756, MONDO:0014875, OMIM 617027.
Epilepsy, childhood absence, susceptibility to, 6. Identifiers: Orphanet 64280, MedGen C2749872, MONDO:0012763, OMIM 611942.
Idiopathic generalized epilepsy. Also called: Generalised epilepsy; EIG. Identifiers: MedGen C0270850, MONDO:0005579, OMIM 600669.

Allele frequency attached by ClinVar (database versions not stated): gnomAD exomes 0.00005 and 0.00007; ExAC 0.00009; TOPMed 0.00012; gnomAD 0.00013 and 0.00014; 1000 Genomes Project 30x 0.00016; ESP Exome Variant Server 0.00016; 1000 Genomes Project 0.00020.
gnomAD v4.1: 87 of 1,611,314 alleles (0.0054%); highest among the groups gnomAD compares: African/African-American, 0.032%; no homozygotes.

Submissions (3):

Labcorp Genetics (formerly Invitae), Labcorp
Classification: Uncertain significance for Idiopathic generalized epilepsy; Hyperaldosteronism, familial, type IV. Last evaluated: 2025-03-17. Review status: criteria provided, single submitter. Criteria: Invitae Variant Classification Sherloc (09022015). Collection method: clinical testing. Allele origin: germline.
Comment: This sequence change falls in intron 7 of the CACNA1H gene. It does not directly change the encoded amino acid sequence of the CACNA1H protein. It affects a nucleotide within the consensus splice site. This variant is present in population databases (rs372159580, gnomAD 0.04%), and has an allele count higher than expected for a pathogenic variant. This variant has not been reported in the literature in individuals affected with CACNA1H-related conditions. ClinVar contains an entry for this variant (Variation ID: 648704). Variants that disrupt the consensus splice site are a relatively common cause of aberrant splicing (PMID: 17576681, 9536098). Algorithms developed to predict the effect of sequence changes on RNA splicing suggest that this variant is not likely to affect RNA splicing. In summary, the available evidence is currently insufficient to determine the role of this variant in disease. Therefore, it has been classified as a Variant of Uncertain Significance.

Blueprint Genetics
Classification: Likely benign. Last evaluated: 2023-09-25. Review status: criteria provided, single submitter. Criteria: ACMG Guidelines, 2015. Collection method: clinical testing. Allele origin: germline.

Fulgent Genetics
Classification: Uncertain significance for Epilepsy, childhood absence, susceptibility to, 6; Hyperaldosteronism, familial, type IV. Last evaluated: 2021-09-27. Review status: criteria provided, single submitter. Criteria: ACMG Guidelines, 2015. Collection method: clinical testing. Allele origin: unknown.

Literature cited by the submitters: PubMed 17576681 (cited by Labcorp Genetics (formerly Invitae), Labcorp); PubMed 9536098 (cited by Labcorp Genetics (formerly Invitae), Labcorp).